The following is an entry in ClinVar:

ClinVar aggregate classification (germline): Likely benign. Review status: criteria provided, multiple submitters, no conflicts (2 of 4 stars). 2 submissions from 2 submitters: Likely benign (2). Last evaluated 2023-10-31.

Conditions:
Intellectual disability. Also called: intellectual disabilities; Intellectual functioning disability; Intellectual developmental disorder. Identifiers: MedGen C3714756, MeSH D008607, MONDO:0001071, HP:0001249.

Allele frequency attached by ClinVar (database versions not stated): gnomAD 0.00001; TOPMed 0.00001.
gnomAD v4.1: 1 of 1,614,008 alleles (0.000062%); highest among the groups gnomAD compares: African/African-American, 0.0013%; no homozygotes.

Submissions (2):

Labcorp Genetics (formerly Invitae), Labcorp
Classification: Likely benign for Intellectual disability. Last evaluated: 2023-10-31. Review status: criteria provided, single submitter. Criteria: Invitae Variant Classification Sherloc (09022015). Collection method: clinical testing. Allele origin: germline.

GeneDx
Classification: Likely benign. Last evaluated: 2018-05-22. Review status: criteria provided, single submitter. Criteria: GeneDx Variant Classification (06012015). Collection method: clinical testing. Allele origin: germline. Affected: yes.
Comment: This variant is considered likely benign or benign based on one or more of the following criteria: it is a conservative change, it occurs at a poorly conserved position in the protein, it is predicted to be benign by multiple in silico algorithms, and/or has population frequency not consistent with disease.

NM_001371727.1(GABRB2):c.1320G>A (p.Gln440=)

Gene: GABRB2 (gamma-aminobutyric acid type A receptor subunit beta2; minus strand). Cytogenetic location: 5q34.
Variant type: single nucleotide variant.
Coding change: c.1320G>A on transcript NM_001371727.1 (MANE Select); coding-DNA position 1320, G replaced by A.
Protein change: p.Gln440=; no amino-acid change (glutamine 440 retained).
Molecular consequence: synonymous variant.
Genome position (GRCh38, 1-based): chr5:161,294,300, C>T on the plus strand (G>A on the coding strand, the complement: GABRB2 is on the minus strand). VCF-style: chr5-161294300-C-T. GRCh37 (hg19) VCF-style: chr5-160721307-C-T.
Other names: c.1206G>A, p.Gln402= (NM_000813.3); c.1320G>A, p.Gln440= (NM_021911.3).
Identifiers: ClinVar variation 668508 (VCV000668508.4), dbSNP rs1184212049, ClinGen allele CA447604750.